The following is an entry in ClinVar:

ClinVar aggregate classification (germline): Uncertain significance (1 of 4 stars; one submission).

Submission:

GeneDx
Classification: Uncertain significance. Last evaluated: 2026-03-09. Review status: criteria provided, single submitter. Criteria: GeneDx Variant Classification Process June 2021. Collection method: clinical testing. Allele origin: germline.
Comment: Not observed at significant frequency in large population cohorts (gnomAD); In silico analysis suggests that this missense variant does not alter protein structure/function; Has not been previously published as pathogenic or benign to our knowledge

NM_007208.4(MRPL3):c.86G>A (p.Gly29Glu)

Genes: MRPL3 (mitochondrial ribosomal protein L3; minus strand), LOC105374114 (uncharacterized LOC105374114; plus strand). Cytogenetic location: 3q22.1.
Variant type: single nucleotide variant.
Coding change: c.86G>A on transcript NM_007208.4 (MANE Select); coding-DNA position 86, G replaced by A.
Protein change: p.Gly29Glu; replaces glycine 29 with glutamic acid.
Molecular consequence: missense variant.
Genome position (GRCh38, 1-based): chr3:131,502,736, C>T on the plus strand (G>A on the coding strand, the complement: MRPL3 is on the minus strand). VCF-style: chr3-131502736-C-T. GRCh37 (hg19) VCF-style: chr3-131221580-C-T.
Other names: short protein forms G29E.
Identifiers: ClinVar variation 5008269 (VCV005008269.1).